The following is an entry in ClinVar:

NM_004064.5(CDKN1B):c.192T>G (p.Phe64Leu)

Gene: CDKN1B (cyclin dependent kinase inhibitor 1B; plus strand). Cytogenetic location: 12p13.1.
Variant type: single nucleotide variant.
Coding change: c.192T>G on transcript NM_004064.5 (MANE Select); coding-DNA position 192, T replaced by G.
Protein change: p.Phe64Leu; replaces phenylalanine 64 with leucine.
Molecular consequence: missense variant.
Genome position (GRCh38, 1-based): chr12:12,718,031, T>G. VCF-style: chr12-12718031-T-G. GRCh37 (hg19) VCF-style: chr12-12870965-T-G.
Other names: c.192T>G (NM_004064.3); short protein forms F64L.
Identifiers: ClinVar variation 1511760 (VCV001511760.9), dbSNP rs2136355753, ClinGen allele CA383969380.

ClinVar aggregate classification (germline): Uncertain significance. Review status: criteria provided, multiple submitters, no conflicts (2 of 4 stars). 2 submissions from 2 submitters: Uncertain significance (2). Last evaluated 2024-11-08.

Conditions:
Hereditary cancer-predisposing syndrome. Also called: Neoplastic Syndromes, Hereditary; Hereditary Cancer Syndrome; Tumor predisposition; Hereditary neoplastic syndrome. Identifiers: Orphanet 140162, MedGen C0027672, MeSH D009386, MONDO:0015356.
Multiple endocrine neoplasia type 4. Also called: MULTIPLE ENDOCRINE NEOPLASIA, TYPE IV. Identifiers: Orphanet 276152, MedGen C1970712, MONDO:0012552, OMIM 610755.

Allele frequency attached by ClinVar (database versions not stated): gnomAD exomes below 0.00001.
gnomAD v4.1: 1 of 1,614,220 alleles (0.000062%); highest among the groups gnomAD compares: Non-Finnish European, 0.000085%; no homozygotes.

Submissions (2):

Ambry Genetics
Classification: Uncertain significance for Hereditary cancer-predisposing syndrome. Last evaluated: 2024-11-08. Review status: criteria provided, single submitter. Criteria: Ambry Variant Classification Scheme 2023. Collection method: clinical testing. Allele origin: germline.
Comment: The p.F64L variant (also known as c.192T>G), located in coding exon 1 of the CDKN1B gene, results from a T to G substitution at nucleotide position 192. The phenylalanine at codon 64 is replaced by leucine, an amino acid with highly similar properties. This amino acid position is conserved. In addition, this alteration is predicted to be deleterious by in silico analysis. Based on the available evidence, the clinical significance of this variant remains unclear.

Labcorp Genetics (formerly Invitae), Labcorp
Classification: Uncertain significance for Multiple endocrine neoplasia type 4. Last evaluated: 2021-02-18. Review status: criteria provided, single submitter. Criteria: Invitae Variant Classification Sherloc (09022015). Collection method: clinical testing. Allele origin: germline.
Comment: This sequence change replaces phenylalanine with leucine at codon 64 of the CDKN1B protein (p.Phe64Leu). The phenylalanine residue is highly conserved and there is a small physicochemical difference between phenylalanine and leucine. In summary, the available evidence is currently insufficient to determine the role of this variant in disease. Therefore, it has been classified as a Variant of Uncertain Significance. Algorithms developed to predict the effect of missense changes on protein structure and function are either unavailable or do not agree on the potential impact of this missense change (SIFT: "Deleterious"; PolyPhen-2: "Probably Damaging"; Align-GVGD: "Class C15"). This variant has not been reported in the literature in individuals with CDKN1B-related conditions. This variant is not present in population databases (ExAC no frequency).